The following is an entry in ClinVar:

NM_178012.5(TUBB2B):c.333G>A (p.Glu111=)

Gene: TUBB2B (tubulin beta 2B class IIb; minus strand). Cytogenetic location: 6p25.2.
Variant type: single nucleotide variant.
Coding change: c.333G>A on transcript NM_178012.5 (MANE Select); coding-DNA position 333, G replaced by A.
Protein change: p.Glu111=; no amino-acid change (glutamic acid 111 retained).
Molecular consequence: synonymous variant.
Genome position (GRCh38, 1-based): chr6:3,225,756, C>T on the plus strand (G>A on the coding strand, the complement: TUBB2B is on the minus strand). VCF-style: chr6-3225756-C-T. GRCh37 (hg19) VCF-style: chr6-3225990-C-T.
Identifiers: ClinVar variation 2656184 (VCV002656184.24), dbSNP rs1286271941, ClinGen allele CA448708257.

ClinVar aggregate classification (germline): Likely benign (1 of 4 stars; one submission).

Submission:

CeGaT Center for Human Genetics Tuebingen
Classification: Likely benign. Last evaluated: 2023-10-01. Review status: criteria provided, single submitter. Criteria: CeGaT Center For Human Genetics Tuebingen Variant Classification Criteria Version 2. Collection method: clinical testing. Allele origin: germline. Affected: yes. Observed: 1 variant allele.
Comment: TUBB2B: PM2:Supporting, BP4, BP7